The following is an entry in ClinVar:

ClinVar aggregate classification (germline): Uncertain significance. Review status: criteria provided, multiple submitters, no conflicts (2 of 4 stars). 4 submissions from 4 submitters: Uncertain significance (4). Last evaluated 2025-08-12.

Conditions:
Autoinflammatory syndrome. Identifiers: Orphanet 93665, MedGen C3890737, MONDO:0019751.
Inborn genetic diseases. Identifiers: MedGen C0950123, MeSH D030342.
Familial hemophagocytic lymphohistiocytosis 3 (FHL3). Also called: UNC13D-Related Familial Hemophagocytic Lymphohistiocytosis (UNC13D-fHLH). Identifiers: Orphanet 540, MedGen C1837174, MONDO:0012146, OMIM 608898.

Allele frequency attached by ClinVar (database versions not stated): gnomAD 0.00001 and 0.00002; 1000 Genomes Project 0.00020; 1000 Genomes Project 30x 0.00031.

Submissions (4):

Ambry Genetics
Classification: Uncertain significance for Inborn genetic diseases. Last evaluated: 2025-08-12. Review status: criteria provided, single submitter. Criteria: Ambry Variant Classification Scheme 2023. Collection method: clinical testing. Allele origin: germline.

Blueprint Genetics
Classification: Uncertain significance. Last evaluated: 2024-02-21. Review status: criteria provided, single submitter. Criteria: ACMG Guidelines, 2015. Collection method: clinical testing. Allele origin: germline.

Labcorp Genetics (formerly Invitae), Labcorp
Classification: Uncertain significance for Familial hemophagocytic lymphohistiocytosis 3. Last evaluated: 2022-10-24. Review status: criteria provided, single submitter. Criteria: Invitae Variant Classification Sherloc (09022015). Collection method: clinical testing. Allele origin: germline.
Comment: This sequence change replaces arginine, which is basic and polar, with cysteine, which is neutral and slightly polar, at codon 570 of the UNC13D protein (p.Arg570Cys). This variant is present in population databases (rs549768303, gnomAD 0.01%). This variant has not been reported in the literature in individuals affected with UNC13D-related conditions. ClinVar contains an entry for this variant (Variation ID: 464453). Advanced modeling of protein sequence and biophysical properties (such as structural, functional, and spatial information, amino acid conservation, physicochemical variation, residue mobility, and thermodynamic stability) performed at Invitae indicates that this missense variant is not expected to disrupt UNC13D protein function. In summary, the available evidence is currently insufficient to determine the role of this variant in disease. Therefore, it has been classified as a Variant of Uncertain Significance.

Genome Diagnostics Laboratory, The Hospital for Sick Children
Classification: Uncertain significance for Autoinflammatory syndrome. Last evaluated: 2020-07-01. Review status: criteria provided, single submitter. Criteria: ACMG Guidelines, 2015. Collection method: clinical testing. Allele origin: germline. Affected: yes.

NM_199242.3(UNC13D):c.1708C>T (p.Arg570Cys)

Gene: UNC13D (unc-13 homolog D; minus strand). Cytogenetic location: 17q25.1.
Variant type: single nucleotide variant.
Coding change: c.1708C>T on transcript NM_199242.3 (MANE Select); coding-DNA position 1708, C replaced by T.
Protein change: p.Arg570Cys; replaces arginine 570 with cysteine.
Molecular consequence: missense variant.
Genome position (GRCh38, 1-based): chr17:75,835,666, G>A on the plus strand (C>T on the coding strand, the complement: UNC13D is on the minus strand). VCF-style: chr17-75835666-G-A. GRCh37 (hg19) VCF-style: chr17-73831747-G-A.
Other names: short protein forms R570C.
Identifiers: ClinVar variation 464453 (VCV000464453.10), dbSNP rs549768303, ClinGen allele CA8772854.